The following is an entry in ClinVar:

ClinVar aggregate classification (germline): Benign/Likely benign. Review status: criteria provided, multiple submitters, no conflicts (2 of 4 stars). 6 submissions from 6 submitters: Benign (4); Likely benign (2). Last evaluated 2026-02-02.

Conditions:
Charcot-Marie-Tooth disease type 4B3. Also called: CHARCOT-MARIE-TOOTH DISEASE, DEMYELINATING, TYPE 4B3; Charcot-Marie-Tooth Neuropathy Type 4B3. Identifiers: Orphanet 363981, MedGen C3695063, MONDO:0014117, OMIM 615284.

Allele frequency attached by ClinVar (database versions not stated): gnomAD exomes 0.00161 and 0.00358; ExAC 0.00363; ESP Exome Variant Server 0.00976; gnomAD 0.01020 and 0.01090; 1000 Genomes Project 0.01038; 1000 Genomes Project 30x 0.01062; TOPMed 0.01172.
gnomAD v4.1: 3,997 of 1,609,502 alleles (0.25%); highest among the groups gnomAD compares: African/African-American, 3.4%; 59 homozygotes.

Submissions (6):

Labcorp Genetics (formerly Invitae), Labcorp
Classification: Benign. Last evaluated: 2026-02-02. Review status: criteria provided, single submitter. Criteria: Invitae Variant Classification Sherloc (09022015). Collection method: clinical testing. Allele origin: germline.

ARUP Laboratories, Molecular Genetics and Genomics, ARUP Laboratories
Classification: Benign for Charcot-Marie-Tooth disease type 4B3. Last evaluated: 2023-11-07. Review status: criteria provided, single submitter. Criteria: ARUP Molecular Germline Variant Investigation Process 2024. Collection method: clinical testing. Allele origin: germline.

GeneDx
Classification: Benign. Last evaluated: 2020-02-05. Review status: criteria provided, single submitter. Criteria: GeneDx Variant Classification Process June 2021. Collection method: clinical testing. Allele origin: germline. Affected: yes.

Mayo Clinic Laboratories, Mayo Clinic
Classification: Benign. Last evaluated: 2019-09-09. Review status: criteria provided, single submitter. Criteria: ACMG Guidelines, 2015. Collection method: clinical testing. Allele origin: germline. Observed: 15 variant alleles.

Center for Pediatric Genomic Medicine, Children's Mercy Hospital and Clinics
Classification: Likely benign. Last evaluated: 2015-05-14. Review status: criteria provided, single submitter. Criteria: ACMG Guidelines, 2015. Collection method: clinical testing. Allele origin: germline.
ClinVar note: Converted during submission from Likely Benign to Likely benign.

Breakthrough Genomics
Classification: Likely benign. Review status: criteria provided, single submitter. Criteria: ACMG Guidelines, 2015. Collection method: not provided. Allele origin: germline. Inheritance: Autosomal recessive inheritance. Affected: yes.

NM_002972.4(SBF1):c.2127+4C>T

Gene: SBF1 (SET binding factor 1; minus strand). Cytogenetic location: 22q13.33.
Variant type: single nucleotide variant.
Coding change: c.2127+4C>T on transcript NM_002972.4 (MANE Select); 4 bases into the intron after coding-DNA position 2127, C replaced by T.
Molecular consequence: intron variant.
Genome position (GRCh38, 1-based): chr22:50,462,555, G>A on the plus strand (C>T on the coding strand, the complement: SBF1 is on the minus strand). VCF-style: chr22-50462555-G-A. GRCh37 (hg19) VCF-style: chr22-50900984-G-A.
Other names: p.?; c.2130+4C>T (NM_001365819.1).
Identifiers: ClinVar variation 235427 (VCV000235427.27), dbSNP rs151027707, ClinGen allele CA10317357.
Genomic context (GRCh38, chr22:50,462,555, plus strand): 5'-GAGCCGGGGCCACGCTGCCCCAGCCCCTAGCCCCCAGCCCCCAGCCCAGGGAGTCCCTGC[G>A]CACCTGGGCGGGGGCCAGGTCCTCCGTGGGCTCCAGGTAGAGGGCCCGGATGTGAGTCTG-3'